The following is an entry in ClinVar:

NM_004656.4(BAP1):c.968C>T (p.Ala323Val)

Gene: BAP1 (BRCA1 associated deubiquitinase 1; minus strand). Cytogenetic location: 3p21.1.
Variant type: single nucleotide variant.
Coding change: c.968C>T on transcript NM_004656.4 (MANE Select); coding-DNA position 968, C replaced by T.
Protein change: p.Ala323Val; replaces alanine 323 with valine.
Molecular consequence: missense variant.
Genome position (GRCh38, 1-based): chr3:52,405,258, G>A on the plus strand (C>T on the coding strand, the complement: BAP1 is on the minus strand). VCF-style: chr3-52405258-G-A. GRCh37 (hg19) VCF-style: chr3-52439274-G-A.
Other names: c.914C>T, p.Ala305Val (NM_001410772.1); short protein forms A305V, A323V.
Identifiers: ClinVar variation 3224486 (VCV003224486.1), dbSNP rs879162761, ClinGen allele CA74742670.

ClinVar aggregate classification (germline): Uncertain significance (1 of 4 stars; one submission).

Conditions:
Hereditary cancer-predisposing syndrome. Also called: Tumor predisposition; Hereditary neoplastic syndrome; Hereditary Cancer Syndrome; Neoplastic Syndromes, Hereditary. Identifiers: Orphanet 140162, MedGen C0027672, MeSH D009386, MONDO:0015356.

Submission:

Ambry Genetics
Classification: Uncertain significance for Hereditary cancer-predisposing syndrome. Last evaluated: 2023-10-06. Review status: criteria provided, single submitter. Criteria: Ambry Variant Classification Scheme 2023. Collection method: clinical testing. Allele origin: germline.
Comment: The p.A323V variant (also known as c.968C>T), located in coding exon 11 of the BAP1 gene, results from a C to T substitution at nucleotide position 968. The alanine at codon 323 is replaced by valine, an amino acid with similar properties. This amino acid position is conserved. In addition, this alteration is predicted to be tolerated by in silico analysis. Since supporting evidence is limited at this time, the clinical significance of this alteration remains unclear.